The following is an entry in ClinVar:

ClinVar aggregate classification (germline): Uncertain significance (1 of 4 stars; one submission).

gnomAD v4.1: 16 of 1,612,728 alleles (0.00099%); highest among the groups gnomAD compares: East Asian, 0.0045%; no homozygotes.

Submission:

Labcorp Genetics (formerly Invitae), Labcorp
Classification: Uncertain significance. Last evaluated: 2025-01-22. Review status: criteria provided, single submitter. Criteria: Invitae Variant Classification Sherloc (09022015). Collection method: clinical testing. Allele origin: germline.
Comment: This sequence change replaces arginine, which is basic and polar, with histidine, which is basic and polar, at codon 1827 of the DSCAML1 protein (p.Arg1827His). This variant is present in population databases (rs775392101, gnomAD 0.003%). This variant has not been reported in the literature in individuals affected with DSCAML1-related conditions. An algorithm developed to predict the effect of missense changes on protein structure and function (PolyPhen-2) suggests that this variant is likely to be disruptive. In summary, the available evidence is currently insufficient to determine the role of this variant in disease. Therefore, it has been classified as a Variant of Uncertain Significance.

NM_020693.4(DSCAML1):c.5300G>A (p.Arg1767His)

Gene: DSCAML1 (DS cell adhesion molecule like 1; minus strand). Cytogenetic location: 11q23.3.
Variant type: single nucleotide variant.
Coding change: c.5300G>A on transcript NM_020693.4 (MANE Select); coding-DNA position 5300, G replaced by A.
Protein change: p.Arg1767His; replaces arginine 1767 with histidine.
Molecular consequence: missense variant.
Genome position (GRCh38, 1-based): chr11:117,431,608, C>T on the plus strand (G>A on the coding strand, the complement: DSCAML1 is on the minus strand). VCF-style: chr11-117431608-C-T. GRCh37 (hg19) VCF-style: chr11-117302324-C-T.
Other names: short protein forms R1767H.
Identifiers: ClinVar variation 3605517 (VCV003605517.2).